The following is an entry in ClinVar:

NM_004415.4(DSP):c.3793G>T (p.Glu1265Ter)

Gene: DSP (desmoplakin; plus strand). Cytogenetic location: 6p24.3.
Variant type: single nucleotide variant.
Coding change: c.3793G>T on transcript NM_004415.4 (MANE Select); coding-DNA position 3793, G replaced by T.
Protein change: p.Glu1265Ter; replaces glutamic acid 1265 with a stop codon.
Molecular consequence: nonsense. On other transcripts: intron variant (1).
Genome position (GRCh38, 1-based): chr6:7,579,983, G>T. VCF-style: chr6-7579983-G-T. GRCh37 (hg19) VCF-style: chr6-7580216-G-T.
Other names: c.3793G>T (LRG_423t1); c.3793G>T, p.Glu1265Ter (NM_001319034.2); c.3582+211G>T (NM_001008844.3); short protein forms E1265*.
Identifiers: ClinVar variation 523474 (VCV000523474.13), dbSNP rs1554108172, ClinGen allele CA362684869.

ClinVar aggregate classification (germline): Pathogenic/Likely pathogenic. Review status: criteria provided, multiple submitters, no conflicts (2 of 4 stars). 3 submissions from 3 submitters: Pathogenic (2); Likely pathogenic (1). Last evaluated 2025-08-17.

Conditions:
Arrhythmogenic cardiomyopathy with wooly hair and keratoderma. Also called: PALMOPLANTAR KERATODERMA WITH LEFT VENTRICULAR CARDIOMYOPATHY AND WOOLLY HAIR; Dilated cardiomyopathy with woolly hair and keratoderma; Carvajal syndrome; Arrhythmogenic cardiomyopathy with woolly hair and keratoderma. Identifiers: Orphanet 65282, MedGen C1854063, MONDO:0011581, OMIM 605676.
Arrhythmogenic right ventricular dysplasia 8 (ARVD8). Also called: Arrhythmogenic Right Ventricular Dysplasia/Cardiomyopathy 8; ARRHYTHMOGENIC RIGHT VENTRICULAR CARDIOMYOPATHY 8; ARRHYTHMOGENIC RIGHT VENTRICULAR DYSPLASIA, FAMILIAL, 8. Identifiers: MedGen C1843896, MONDO:0011831, OMIM 607450.
Ventricular arrhythmia. Identifiers: MedGen C0085612, HP:0004308.
Right ventricular cardiomyopathy. Identifiers: MedGen C2063326, HP:0011663.

Submissions (3):

Labcorp Genetics (formerly Invitae), Labcorp
Classification: Pathogenic for Arrhythmogenic cardiomyopathy with wooly hair and keratoderma; Arrhythmogenic right ventricular dysplasia 8. Last evaluated: 2025-08-17. Review status: criteria provided, single submitter. Criteria: Invitae Variant Classification Sherloc (09022015). Collection method: clinical testing. Allele origin: germline.
Comment: This sequence change creates a premature translational stop signal (p.Glu1265*) in the DSP gene. It is expected to result in an absent or disrupted protein product. Loss-of-function variants in DSP are known to be pathogenic (PMID: 20716751, 24503780, 25227139). This variant is not present in population databases (gnomAD no frequency). This variant has not been reported in the literature in individuals affected with DSP-related conditions. ClinVar contains an entry for this variant (Variation ID: 523474). For these reasons, this variant has been classified as Pathogenic.

All of Us Research Program, National Institutes of Health
Classification: Pathogenic for Arrhythmogenic cardiomyopathy with wooly hair and keratoderma. Last evaluated: 2023-04-28. Review status: criteria provided, single submitter. Criteria: ACMG Guidelines, 2015. Collection method: clinical testing. Allele origin: germline. Inheritance: Autosomal dominant inheritance. Observed: 1 variant allele, 1 heterozygote.
Comment: This variant changes 1 nucleotide in exon 23 of the DSP gene, creating a premature translation stop signal. This variant is expected to result in an absent or non-functional protein product. To our knowledge, this variant has not been reported in individuals affected with cardiovascular disorders in the literature. This variant has not been identified in the general population by the Genome Aggregation Database (gnomAD). Loss of DSP function is a known mechanism of disease. Based on the available evidence, this variant is classified as Pathogenic.

This study involves interpretation of variants in research participants for the purpose of population health screening. Participant phenotype was not available at the time of variant classification. Additional details can be found in publication PMID: 35346344, PMCID: PMC8962531

Centre for Mendelian Genomics, University Medical Centre Ljubljana
Classification: Likely pathogenic for Right ventricular cardiomyopathy; Ventricular arrhythmia. Last evaluated: 2017-01-01. Review status: criteria provided, single submitter. Criteria: ACMG Guidelines, 2015. Collection method: clinical testing. Allele origin: unknown. Affected: yes.

Literature cited by the submitters: PubMed 20716751 (cited by Labcorp Genetics (formerly Invitae), Labcorp); PubMed 24503780 (cited by Labcorp Genetics (formerly Invitae), Labcorp); PubMed 25227139 (cited by Labcorp Genetics (formerly Invitae), Labcorp).